The following is an entry in ClinVar:

NM_000032.5(ALAS2):c.551C>T (p.Ala184Val)

Gene: ALAS2 (5'-aminolevulinate synthase 2; minus strand). Cytogenetic location: Xp11.21.
Variant type: single nucleotide variant.
Coding change: c.551C>T on transcript NM_000032.5 (MANE Select); coding-DNA position 551, C replaced by T.
Protein change: p.Ala184Val; replaces alanine 184 with valine.
Molecular consequence: missense variant.
Genome position (GRCh38, 1-based): chrX:55,021,139, G>A on the plus strand (C>T on the coding strand, the complement: ALAS2 is on the minus strand). VCF-style: chrX-55021139-G-A. GRCh37 (hg19) VCF-style: chrX-55047572-G-A.
Other names: c.440C>T, p.Ala147Val (NM_001037967.4); c.512C>T, p.Ala171Val (NM_001037968.4); short protein forms A147V, A171V, A184V.
Identifiers: ClinVar variation 3772393 (VCV003772393.13).

ClinVar aggregate classification (germline): Uncertain significance (1 of 4 stars; one submission).

Submission:

CeGaT Center for Human Genetics Tuebingen
Classification: Uncertain significance. Last evaluated: 2025-02-01. Review status: criteria provided, single submitter. Criteria: CeGaT Center For Human Genetics Tuebingen Variant Classification Criteria Version 2. Collection method: clinical testing. Allele origin: germline. Affected: yes. Observed: 1 variant allele.
Comment: ALAS2: PM2, PP3